The following is an entry in ClinVar:

NM_015559.3(SETBP1):c.4160C>A (p.Thr1387Lys)

Gene: SETBP1 (SET binding protein 1; plus strand). Cytogenetic location: 18q12.3.
Variant type: single nucleotide variant.
Coding change: c.4160C>A on transcript NM_015559.3 (MANE Select); coding-DNA position 4160, C replaced by A.
Protein change: p.Thr1387Lys; replaces threonine 1387 with lysine.
Molecular consequence: missense variant. On other transcripts: intron variant (1).
Genome position (GRCh38, 1-based): chr18:45,038,644, C>A. VCF-style: chr18-45038644-C-A. GRCh37 (hg19) VCF-style: chr18-42618609-C-A.
Other names: c.4160C>A, p.Thr1387Lys (NM_001379141.1, NM_001379142.1); c.4001-24435C>A (NM_001410862.1); short protein forms T1387K.
Identifiers: ClinVar variation 2739971 (VCV002739971.3), dbSNP rs200881888, ClinGen allele CA402482642.

ClinVar aggregate classification (germline): Uncertain significance (1 of 4 stars; one submission).

gnomAD v4.1: 1 of 1,614,040 alleles (0.000062%); highest among the groups gnomAD compares: Non-Finnish European, 0.000085%; no homozygotes.

Submission:

Labcorp Genetics (formerly Invitae), Labcorp
Classification: Uncertain significance. Last evaluated: 2023-07-09. Review status: criteria provided, single submitter. Criteria: Invitae Variant Classification Sherloc (09022015). Collection method: clinical testing. Allele origin: germline.
Comment: This sequence change replaces threonine, which is neutral and polar, with lysine, which is basic and polar, at codon 1387 of the SETBP1 protein (p.Thr1387Lys). This variant is present in population databases (no rsID available, gnomAD 0.0009%). This variant has not been reported in the literature in individuals affected with SETBP1-related conditions. Advanced modeling of protein sequence and biophysical properties (such as structural, functional, and spatial information, amino acid conservation, physicochemical variation, residue mobility, and thermodynamic stability) performed at Invitae indicates that this missense variant is not expected to disrupt SETBP1 protein function. In summary, the available evidence is currently insufficient to determine the role of this variant in disease. Therefore, it has been classified as a Variant of Uncertain Significance.